The following is an entry in ClinVar:

NM_000400.4(ERCC2):c.1172T>A (p.Leu391His)

Gene: ERCC2 (ERCC excision repair 2, TFIIH core complex helicase subunit; minus strand). Cytogenetic location: 19q13.32.
Variant type: single nucleotide variant.
Coding change: c.1172T>A on transcript NM_000400.4 (MANE Select); coding-DNA position 1172, T replaced by A.
Protein change: p.Leu391His; replaces leucine 391 with histidine.
Molecular consequence: missense variant.
Genome position (GRCh38, 1-based): chr19:45,361,589, A>T on the plus strand (T>A on the coding strand, the complement: ERCC2 is on the minus strand). VCF-style: chr19-45361589-A-T. GRCh37 (hg19) VCF-style: chr19-45864847-A-T.
Other names: c.1100T>A, p.Leu367His (NM_001130867.2); short protein forms L367H, L391H.
Identifiers: ClinVar variation 1739950 (VCV001739950.2), dbSNP rs1972221588, ClinGen allele CA406369997.

ClinVar aggregate classification (germline): Uncertain significance (1 of 4 stars; one submission).

Conditions:
Inborn genetic diseases. Identifiers: MedGen C0950123, MeSH D030342.

Submission:

Ambry Genetics
Classification: Uncertain significance for Inborn genetic diseases. Last evaluated: 2024-01-29. Review status: criteria provided, single submitter. Criteria: Ambry Variant Classification Scheme 2023. Collection method: clinical testing. Allele origin: germline.
Comment: The p.L391H variant (also known as c.1172T>A), located in coding exon 12 of the ERCC2 gene, results from a T to A substitution at nucleotide position 1172. The leucine at codon 391 is replaced by histidine, an amino acid with similar properties. This amino acid position is conserved. In addition, the in silico prediction for this alteration is inconclusive. Since supporting evidence is limited at this time, the clinical significance of this alteration remains unclear.